The following is an entry in ClinVar:

NM_032608.7(MYO18B):c.5780T>C (p.Leu1927Pro)

Gene: MYO18B (myosin XVIIIB; plus strand). Cytogenetic location: 22q12.1.
Variant type: single nucleotide variant.
Coding change: c.5780T>C on transcript NM_032608.7 (MANE Select); coding-DNA position 5780, T replaced by C.
Protein change: p.Leu1927Pro; replaces leucine 1927 with proline.
Molecular consequence: missense variant.
Genome position (GRCh38, 1-based): chr22:25,950,398, T>C. VCF-style: chr22-25950398-T-C. GRCh37 (hg19) VCF-style: chr22-26346364-T-C.
Other names: c.5783T>C, p.Leu1928Pro (NM_001318245.2); short protein forms L1927P, L1928P.
Identifiers: ClinVar variation 1946596 (VCV001946596.5), dbSNP rs2518088544, ClinGen allele CA411008421.
Genomic context (GRCh38, chr22:25,950,398, plus strand): 5'-TATATACATTTTTTTTTTTGTCTCACCAGTCTGCTGCTGACATTGGGCAGATCCAAGAAC[T>C]GCAGCTGCAGCTGGAGGAAGCCAAGAAGGAGAAGCACAAGCTACAAGAACAAGTATGTGC-3'
Protein context (NP_115997.5, residues 1917-1937): SAADIGQIQE[Leu1927Pro]QLQLEEAKKE

ClinVar aggregate classification (germline): Uncertain significance (1 of 4 stars; one submission).

Allele frequency attached by ClinVar (database versions not stated): gnomAD exomes below 0.00001.
gnomAD v4.1: 1 of 1,607,336 alleles (0.000062%); highest among the groups gnomAD compares: South Asian, 0.0011%; no homozygotes.

Submission:

Labcorp Genetics (formerly Invitae), Labcorp
Classification: Uncertain significance. Last evaluated: 2023-10-03. Review status: criteria provided, single submitter. Criteria: Invitae Variant Classification Sherloc (09022015). Collection method: clinical testing. Allele origin: germline.
Comment: This sequence change replaces leucine, which is neutral and non-polar, with proline, which is neutral and non-polar, at codon 1927 of the MYO18B protein (p.Leu1927Pro). This variant is not present in population databases (gnomAD no frequency). This variant has not been reported in the literature in individuals affected with MYO18B-related conditions. ClinVar contains an entry for this variant (Variation ID: 1946596). An algorithm developed to predict the effect of missense changes on protein structure and function (PolyPhen-2) suggests that this variant is likely to be disruptive. In summary, the available evidence is currently insufficient to determine the role of this variant in disease. Therefore, it has been classified as a Variant of Uncertain Significance.